The following is an entry in ClinVar:

ClinVar aggregate classification (germline): Uncertain significance (1 of 4 stars; one submission).

Allele frequency attached by ClinVar (database versions not stated): gnomAD exomes below 0.00001; TOPMed below 0.00001.
gnomAD v4.1: 1 of 1,614,218 alleles (0.000062%); highest among the groups gnomAD compares: Admixed American, 0.0017%; no homozygotes.

Submission:

Labcorp Genetics (formerly Invitae), Labcorp
Classification: Uncertain significance. Last evaluated: 2021-04-07. Review status: criteria provided, single submitter. Criteria: Invitae Variant Classification Sherloc (09022015). Collection method: clinical testing. Allele origin: germline.
Comment: In summary, the available evidence is currently insufficient to determine the role of this variant in disease. Therefore, it has been classified as a Variant of Uncertain Significance. Algorithms developed to predict the effect of missense changes on protein structure and function are either unavailable or do not agree on the potential impact of this missense change (SIFT: "Not Available"; PolyPhen-2: "Benign"; Align-GVGD: "Not Available"). This variant has not been reported in the literature in individuals with VPS13D-related conditions. This variant is not present in population databases (ExAC no frequency). This sequence change replaces isoleucine with threonine at codon 2515 of the VPS13D protein (p.Ile2515Thr). The isoleucine residue is moderately conserved and there is a moderate physicochemical difference between isoleucine and threonine.

NM_015378.4(VPS13D):c.7544T>C (p.Ile2515Thr)

Gene: VPS13D (vacuolar protein sorting 13 homolog D; plus strand). Cytogenetic location: 1p36.22.
Variant type: single nucleotide variant.
Coding change: c.7544T>C on transcript NM_015378.4 (MANE Select); coding-DNA position 7544, T replaced by C.
Protein change: p.Ile2515Thr; replaces isoleucine 2515 with threonine.
Molecular consequence: missense variant.
Genome position (GRCh38, 1-based): chr1:12,319,626, T>C. VCF-style: chr1-12319626-T-C. GRCh37 (hg19) VCF-style: chr1-12379683-T-C.
Other names: c.7544T>C, p.Ile2515Thr (NM_018156.4); short protein forms I2515T.
Identifiers: ClinVar variation 1419548 (VCV001419548.6), dbSNP rs996190234, ClinGen allele CA18069605.
Genomic context (GRCh38, chr1:12,319,626, plus strand): 5'-CAGTGCTCACCTATAAGCCCCGGTTTGTTGATCGCCCCTTTTCAGGAAGTTTGTTTGGCA[T>C]TGAGGTAAGAAGTCTATGTGTTGATCACAGCACTGCGTGTTGGCTCACGAGCAAAGCATC-3'
Protein context (NP_056193.2, residues 2505-2525): DRPFSGSLFG[Ile2515Thr]EVFSCRLGNE